The following is an entry in ClinVar:

ClinVar aggregate classification (germline): Uncertain significance. Review status: criteria provided, multiple submitters, no conflicts (2 of 4 stars). 2 submissions from 2 submitters: Uncertain significance (2). Last evaluated 2023-11-19.

Conditions:
Nephrolithiasis/nephrocalcinosis. Identifiers: MedGen CN580796.
Familial hypocalciuric hypercalcemia (FHH). Also called: Familial benign hypercalcemia. Identifiers: Orphanet 405, MedGen C1809471, MONDO:0018458.
Autosomal dominant hypocalcemia 1 (HYPOC1). Also called: HYPOCALCEMIA, FAMILIAL. Identifiers: MedGen C3715128, MONDO:0011013, OMIM 601198.

Submissions (2):

Labcorp Genetics (formerly Invitae), Labcorp
Classification: Uncertain significance for Familial hypocalciuric hypercalcemia; Autosomal dominant hypocalcemia 1. Last evaluated: 2023-11-19. Review status: criteria provided, single submitter. Criteria: Invitae Variant Classification Sherloc (09022015). Collection method: clinical testing. Allele origin: germline.
Comment: This sequence change replaces glycine, which is neutral and non-polar, with glutamic acid, which is acidic and polar, at codon 1067 of the CASR protein (p.Gly1067Glu). This variant is not present in population databases (gnomAD no frequency). This variant has not been reported in the literature in individuals affected with CASR-related conditions. ClinVar contains an entry for this variant (Variation ID: 1356092). An algorithm developed to predict the effect of missense changes on protein structure and function (PolyPhen-2) suggests that this variant is likely to be disruptive. In summary, the available evidence is currently insufficient to determine the role of this variant in disease. Therefore, it has been classified as a Variant of Uncertain Significance.

Ambry Genetics
Classification: Uncertain significance for Nephrolithiasis/nephrocalcinosis. Last evaluated: 2022-01-17. Review status: criteria provided, single submitter. Criteria: Ambry Variant Classification Scheme 2023. Collection method: clinical testing. Allele origin: germline.
Comment: The p.G1067E variant (also known as c.3200G>A), located in coding exon 6 of the CASR gene, results from a G to A substitution at nucleotide position 3200. The glycine at codon 1067 is replaced by glutamic acid, an amino acid with similar properties. This amino acid position is conserved. In addition, the in silico prediction for this alteration is inconclusive. Since supporting evidence is limited at this time, the clinical significance of this alteration remains unclear.

NM_000388.4(CASR):c.3200G>A (p.Gly1067Glu)

Gene: CASR (calcium sensing receptor; plus strand). Cytogenetic location: 3q21.1.
Variant type: single nucleotide variant.
Coding change: c.3200G>A on transcript NM_000388.4 (MANE Select); coding-DNA position 3200, G replaced by A.
Protein change: p.Gly1067Glu; replaces glycine 1067 with glutamic acid.
Molecular consequence: missense variant.
Genome position (GRCh38, 1-based): chr3:122,285,154, G>A. VCF-style: chr3-122285154-G-A. GRCh37 (hg19) VCF-style: chr3-122004001-G-A.
Other names: c.3230G>A, p.Gly1077Glu (NM_001178065.2); short protein forms G1077E, G1067E.
Identifiers: ClinVar variation 1356092 (VCV001356092.10), dbSNP rs2107652105, ClinGen allele CA354161767.